The following is an entry in ClinVar:

NM_021969.3(NR0B2):c.26G>A (p.Cys9Tyr)

Genes: NR0B2 (nuclear receptor subfamily 0 group B member 2; minus strand), NUDC (nuclear distribution C, dynein complex regulator; plus strand). Cytogenetic location: 1p36.11.
Variant type: single nucleotide variant.
Coding change: c.26G>A on transcript NM_021969.3 (MANE Select); coding-DNA position 26, G replaced by A.
Protein change: p.Cys9Tyr; replaces cysteine 9 with tyrosine.
Molecular consequence: missense variant.
Genome position (GRCh38, 1-based): chr1:26,913,915, C>T on the plus strand (G>A on the coding strand, the complement: NR0B2 is on the minus strand). VCF-style: chr1-26913915-C-T. GRCh37 (hg19) VCF-style: chr1-27240406-C-T.
Other names: short protein forms C9Y.
Identifiers: ClinVar variation 4985556 (VCV004985556.1).
Genomic context (GRCh38, chr1:26,913,915, plus strand): 5'-AGGCTGGAGCTCAGAAGTGCGTAGAGAATGGCGGGGCGGCTTGCAGCTCCCTGGCATGGG[C>T]AGGCCCCTGGTTGGCTGGTGCTCATGGTTAGGGATCTGCTCTCACTTCCAGCTCTCTGGC-3'
Protein context (NP_068804.1, residues 1-19): MSTSQPGA[Cys9Tyr]PCQGAASRPA

ClinVar aggregate classification (germline): Uncertain significance (1 of 4 stars; one submission).

Conditions:
NR0B2-related disorder. Also called: NR0B2-related condition.

gnomAD v4.1: 1 of 1,483,504 alleles (0.000067%); highest among the groups gnomAD compares: Non-Finnish European, 0.00009%; no homozygotes.

Submission:

PreventionGenetics, part of Exact Sciences
Classification: Uncertain significance for NR0B2-related condition. Last evaluated: 2025-10-29. Review status: criteria provided, single submitter. Criteria: ACMG Guidelines, 2015. Collection method: clinical testing. Allele origin: germline.
Comment: The NR0B2 c.26G>A variant is predicted to result in the amino acid substitution p.Cys9Tyr. To our knowledge, this variant has not been reported in the literature or in a large population database (gnomAD), indicating this variant is rare. At this time, the clinical significance of this variant is uncertain due to the absence of conclusive functional and genetic evidence.